The following is an entry in ClinVar:

NM_003601.4(SMARCA5):c.1455G>C (p.Met485Ile)

Gene: SMARCA5 (SNF2 related chromatin remodeling ATPase 5; plus strand). Cytogenetic location: 4q31.21.
Variant type: single nucleotide variant.
Coding change: c.1455G>C on transcript NM_003601.4 (MANE Select); coding-DNA position 1455, G replaced by C.
Protein change: p.Met485Ile; replaces methionine 485 with isoleucine.
Molecular consequence: missense variant.
Genome position (GRCh38, 1-based): chr4:143,536,638, G>C. VCF-style: chr4-143536638-G-C. GRCh37 (hg19) VCF-style: chr4-144457791-G-C.
Other names: short protein forms M485I.
Identifiers: ClinVar variation 5037246 (VCV005037246.1).

ClinVar aggregate classification (germline): Uncertain significance (1 of 4 stars; one submission).

gnomAD v4.1: 1 of 1,613,474 alleles (0.000062%); highest among the groups gnomAD compares: Non-Finnish European, 0.000085%; no homozygotes.

Submission:

GeneDx
Classification: Uncertain significance. Last evaluated: 2026-04-15. Review status: criteria provided, single submitter. Criteria: GeneDx Variant Classification Process June 2021. Collection method: clinical testing. Allele origin: germline.
Comment: Not observed at significant frequency in large population cohorts (gnomAD); In silico analysis supports that this missense variant has a deleterious effect on protein structure/function; Has not been previously published as pathogenic or benign to our knowledge